The following is an entry in ClinVar:

NM_024420.3(PLA2G4A):c.1402A>G (p.Met468Val)

Gene: PLA2G4A (phospholipase A2 group IVA; plus strand). Cytogenetic location: 1q31.1.
Variant type: single nucleotide variant.
Coding change: c.1402A>G on transcript NM_024420.3 (MANE Select); coding-DNA position 1402, A replaced by G.
Protein change: p.Met468Val; replaces methionine 468 with valine.
Molecular consequence: missense variant.
Genome position (GRCh38, 1-based): chr1:186,956,167, A>G. VCF-style: chr1-186956167-A-G. GRCh37 (hg19) VCF-style: chr1-186925299-A-G.
Other names: p.Met468Val; c.1222A>G, p.Met408Val (NM_001311193.2); short protein forms M408V, M468V.
Identifiers: ClinVar variation 3380238 (VCV003380238.3).

ClinVar aggregate classification (germline): Uncertain significance. Review status: criteria provided, multiple submitters, no conflicts (2 of 4 stars). 3 submissions from 3 submitters: Uncertain significance (3). Last evaluated 2025-08-27.

gnomAD v4.1: 4 of 1,613,432 alleles (0.00025%); highest among the groups gnomAD compares: Admixed American, 0.005%; no homozygotes.

Submissions (3):

Labcorp Genetics (formerly Invitae), Labcorp
Classification: Uncertain significance. Last evaluated: 2025-08-27. Review status: criteria provided, single submitter. Criteria: Invitae Variant Classification Sherloc (09022015). Collection method: clinical testing. Allele origin: germline.
Comment: This sequence change replaces methionine, which is neutral and non-polar, with valine, which is neutral and non-polar, at codon 468 of the PLA2G4A protein (p.Met468Val). This variant is present in population databases (rs766202632, gnomAD 0.009%). This variant has not been reported in the literature in individuals affected with PLA2G4A-related conditions. ClinVar contains an entry for this variant (Variation ID: 3380238). Invitae Evidence Modeling of protein sequence and biophysical properties (such as structural, functional, and spatial information, amino acid conservation, physicochemical variation, residue mobility, and thermodynamic stability) indicates that this missense variant is not expected to disrupt PLA2G4A protein function with a negative predictive value of 80%. In summary, the available evidence is currently insufficient to determine the role of this variant in disease. Therefore, it has been classified as a Variant of Uncertain Significance.

Ambry Genetics
Classification: Uncertain significance. Last evaluated: 2025-08-21. Review status: criteria provided, single submitter. Criteria: Ambry Variant Classification Scheme 2023. Collection method: clinical testing. Allele origin: germline.

Mayo Clinic Laboratories, Mayo Clinic
Classification: Uncertain significance. Last evaluated: 2023-10-03. Review status: criteria provided, single submitter. Criteria: ACMG Guidelines, 2015. Collection method: clinical testing. Allele origin: germline. Observed: 1 variant allele.
Comment: BP4